The following is an entry in ClinVar:

NM_001267550.2(TTN):c.61269del (p.Asp20424fs)

Genes: TTN-AS1 (TTN antisense RNA 1; plus strand), TTN (titin; minus strand). Cytogenetic location: 2q31.2.
Variant type: Deletion.
Coding change: c.61269del on transcript NM_001267550.2 (MANE Select); coding-DNA position 61269, one base deleted (A; older notation c.61269delA).
Protein change: p.Asp20424fs; shifts the reading frame from aspartic acid 20424.
Molecular consequence: frameshift variant.
Genome position (GRCh38, 1-based): chr2:178,590,456, T deleted on the plus strand (A on the coding strand, the reverse complement: TTN is on the minus strand); the first of 3 consecutive T bases (chr2:178,590,456-178,590,458); deleting any one gives the same sequence. VCF-style (leftmost placement, unchanged base first): chr2-178590455-CT-C. GRCh37 (hg19) VCF-style: chr2-179455182-CT-C.
Other names: c.56346del, p.Asp18783fs (NM_001256850.1); c.34074del, p.Asp11359fs (NM_003319.4); c.53565del, p.Asp17856fs (NM_133378.4); c.34449del, p.Asp11484fs (NM_133432.3); c.34650del, p.Asp11551fs (NM_133437.4); c.61269delA (NM_001267550.2); short protein forms D18783fs, D11484fs, D11359fs, D11551fs, D17856fs, D20424fs.
Identifiers: ClinVar variation 404715 (VCV000404715.10), dbSNP rs1060500420, ClinGen allele CA16610426.

ClinVar aggregate classification (germline): Likely pathogenic. Review status: criteria provided, single submitter (1 of 4 stars). 2 submissions from 1 submitter: Likely pathogenic (2). Last evaluated 2017-04-11.

Conditions:
Dilated cardiomyopathy 1G (CMD1G). Identifiers: Orphanet 154, MedGen C1858763, MONDO:0011400, OMIM 604145.
Autosomal recessive limb-girdle muscular dystrophy type 2J (LGMDR10). Also called: Limb-girdle muscular dystrophy, type 2J; MUSCULAR DYSTROPHY, LIMB-GIRDLE, AUTOSOMAL RECESSIVE 10. Identifiers: Orphanet 140922, MedGen C1837342, MONDO:0012127, OMIM 608807.

Submissions (2):

Labcorp Genetics (formerly Invitae), Labcorp
Classification: Likely pathogenic for Dilated cardiomyopathy 1G. Last evaluated: 2017-04-11. Review status: criteria provided, single submitter. Criteria: Invitae Variant Classification Sherloc (09022015). Collection method: clinical testing. Allele origin: germline.
Comment: This sequence change deletes 1 nucleotide from exon 304 of the TTN mRNA (c.61269delA), causing a frameshift at codon 20424. This creates a premature translational stop signal (p.Asp20424Metfs*14) and is expected to result in an absent or disrupted protein product. This variant is found in the A-band of this gene. While this particular variant has not been reported in the literature, truncating variants in the A-band of TTN are significantly overrepresented in patients with dilated cardiomyopathy and are considered to be likely pathogenic for the disease (PMID: 25589632). For these reasons, this variant has been classified as Likely Pathogenic.

Labcorp Genetics (formerly Invitae), Labcorp
Classification: Likely pathogenic for Dilated cardiomyopathy 1G; Autosomal recessive limb-girdle muscular dystrophy type 2J. Last evaluated: 2017-04-10. Review status: criteria provided, single submitter. Criteria: Invitae Variant Classification Sherloc (09022015). Collection method: clinical testing. Allele origin: germline.
Comment: For these reasons, this variant has been classified as Likely Pathogenic. This variant is found in the A-band of this gene. While this particular variant has not been reported in the literature, truncating variants in the A-band of TTN are significantly overrepresented in patients with dilated cardiomyopathy and are considered to be likely pathogenic for the disease (PMID: 25589632). This sequence change deletes 1 nucleotide from exon 304 of the TTN mRNA (c.61269delA), causing a frameshift at codon 20424. This creates a premature translational stop signal (p.Asp20424Metfs*14) and is expected to result in an absent or disrupted protein product.

Literature cited by the submitters: PubMed 25589632.